The following is an entry in ClinVar:

ClinVar aggregate classification (germline): Uncertain significance (1 of 4 stars; one submission).

Conditions:
Aortic valve disease 2 (AOVD2). Identifiers: MedGen C3542024, MONDO:0013902, OMIM 614823.

Submission:

Labcorp Genetics (formerly Invitae), Labcorp
Classification: Uncertain significance for Aortic valve disease 2. Last evaluated: 2022-11-13. Review status: criteria provided, single submitter. Criteria: Invitae Variant Classification Sherloc (09022015). Collection method: clinical testing. Allele origin: germline.
Comment: This variant, c.628_645del, results in the deletion of 6 amino acid(s) of the TBX5 protein (p.Ala210_Thr215del), but otherwise preserves the integrity of the reading frame. This variant is not present in population databases (gnomAD no frequency). This variant has not been reported in the literature in individuals affected with TBX5-related conditions. Experimental studies and prediction algorithms are not available or were not evaluated, and the functional significance of this variant is currently unknown. In summary, the available evidence is currently insufficient to determine the role of this variant in disease. Therefore, it has been classified as a Variant of Uncertain Significance.

NM_181486.4(TBX5):c.628_645del (p.Ala210_Thr215del)

Gene: TBX5 (T-box transcription factor 5; minus strand). Cytogenetic location: 12q24.21.
Variant type: Deletion.
Coding change: c.628_645del on transcript NM_181486.4 (MANE Select); coding-DNA positions 628 to 645, 18 bases deleted (GCGTTTATAGCAGTGACT).
Protein change: p.Ala210_Thr215del.
Molecular consequence: inframe deletion.
Genome position (GRCh38, 1-based): chr12:114,394,759-114,394,776, AGTCACTGCTATAAACGC deleted on the plus strand (GCGTTTATAGCAGTGACT on the coding strand, the reverse complement: TBX5 is on the minus strand); deleting any 18 consecutive bases within chr12:114,394,759-114,394,780 gives the same sequence; the c. name uses the placement nearest the transcript's 3' end. VCF-style (leftmost placement, unchanged base first): chr12-114394758-AAGTCACTGCTATAAACGC-A. GRCh37 (hg19) VCF-style: chr12-114832563-AAGTCACTGCTATAAACGC-A.
Other names: c.628_645del, p.Ala210_Thr215del (NM_000192.3); c.478_495del, p.Ala160_Thr165del (NM_080717.4).
Identifiers: ClinVar variation 2814008 (VCV002814008.3), dbSNP rs2540466878, ClinGen allele CA2739277317.